The following is an entry in ClinVar:

ClinVar aggregate classification (germline): Likely pathogenic. Review status: criteria provided, single submitter (1 of 4 stars). 2 submissions from 2 submitters: Likely pathogenic (1). 1 of the submissions does not count toward it. Last evaluated 2022-11-23.

Conditions:
Familial thoracic aortic aneurysm and aortic dissection (TAAD). Also called: Thoracic aortic aneurysms and dissections. Identifiers: Orphanet 91387, MedGen C4707243, MONDO:0019625.
Ehlers-Danlos syndrome, type 4 (EDSVASC). Also called: Ehlers-Danlos syndrome vascular type; Ehlers Danlos syndrome, ecchymotic type; Ehlers Danlos syndrome, arterial type; Ehlers Danlos syndrome, Sack-Barabas type; Ehlers-Danlos Syndrome Type IV. Identifiers: Orphanet 286, MedGen C0268338, MONDO:0017314, OMIM 130050.

Submissions (2):

Ambry Genetics
Classification: Likely pathogenic for Familial thoracic aortic aneurysm and aortic dissection. Last evaluated: 2022-11-23. Review status: criteria provided, single submitter. Criteria: Ambry Variant Classification Scheme 2023. Collection method: clinical testing. Allele origin: germline.
Comment: The p.G489E variant (also known as c.1466G>A), located in coding exon 21 of the COL3A1 gene, results from a G to A substitution at nucleotide position 1466. The glycine at codon 489 is replaced by glutamic acid, an amino acid with similar properties. The majority (approximately two-thirds) of COL3A1 mutations identified to date have involved the substitution of another amino acid for glycine within the triple-helical domain (Pepin MG et al. Genet Med. 2014;16(12):881-8; Frank M et al. Eur J Hum Genet. 2015;23(12):1657-64). This variant has been detected in individuals reported to have vascular Ehlers-Danlos syndrome (Pepin MG et al. Genet Med, 2014 Dec;16:881-8; Frank M et al. Eur J Hum Genet, 2015 Dec;23:1657-64; Ambry internal data). Internal structural analysis indicates that this alteration disrupts the characteristic G-X-Y motif in the COL3A1 protein and inserts a bulky side chain into a sterically-constrained region (Bella J et al. Science. 1994;266:75-81; Hohenester E et al. Proc. Natl. Acad. Sci. U.S.A. 2008;105:18273-7; Ambry internal data). This variant is considered to be rare based on population cohorts in the Genome Aggregation Database (gnomAD). This amino acid position is highly conserved in available vertebrate species. In addition, this alteration is predicted to be deleterious by in silico analysis. Based on the majority of available evidence to date, this variant is likely to be pathogenic.

Collagen Diagnostic Laboratory, University of Washington
Classification: Pathogenic for Ehlers-Danlos syndrome, type 4. Review status: no assertion criteria provided. Collection method: clinical testing. Allele origin: germline. Affected: yes. Not counted in ClinVar's aggregate classification.

Literature cited by the submitters: PubMed 10706896 (cited by Ambry Genetics and Collagen Diagnostic Laboratory, University of Washington); PubMed 24922459 (cited by Ambry Genetics); PubMed 25758994 (cited by Ambry Genetics); PubMed 30474650 (cited by Ambry Genetics); PubMed 30919682 (cited by Ambry Genetics); PubMed 30999998 (cited by Ambry Genetics).

NM_000090.4(COL3A1):c.1466G>A (p.Gly489Glu)

Gene: COL3A1 (collagen type III alpha 1 chain; plus strand). Cytogenetic location: 2q32.2.
Variant type: single nucleotide variant.
Coding change: c.1466G>A on transcript NM_000090.4 (MANE Select); coding-DNA position 1466, G replaced by A.
Protein change: p.Gly489Glu; replaces glycine 489 with glutamic acid.
Molecular consequence: missense variant.
Genome position (GRCh38, 1-based): chr2:188,995,056, G>A. VCF-style: chr2-188995056-G-A. GRCh37 (hg19) VCF-style: chr2-189859782-G-A.
Identifiers: ClinVar variation 101170 (VCV000101170.4), dbSNP rs587779476, ClinGen allele CA004303.